The following is an entry in ClinVar:

NM_020975.6(RET):c.983C>A (p.Thr328Asn)

Gene: RET (ret proto-oncogene; plus strand). Cytogenetic location: 10q11.21.
Variant type: single nucleotide variant.
Coding change: c.983C>A on transcript NM_020975.6 (MANE Select); coding-DNA position 983, C replaced by A.
Protein change: p.Thr328Asn; replaces threonine 328 with asparagine.
Molecular consequence: missense variant. On other transcripts: intron variant (25).
Genome position (GRCh38, 1-based): chr10:43,106,491, C>A. VCF-style: chr10-43106491-C-A. GRCh37 (hg19) VCF-style: chr10-43601939-C-A.
Other names: c.221C>A, p.Thr74Asn (NM_001355216.2); c.983C>A, p.Thr328Asn (NM_001406743.1, NM_001406744.1, NM_001406759.1 and 4 more transcripts); c.854C>A, p.Thr285Asn (NM_001406761.1, NM_001406762.1, NM_001406764.1 and 1 more transcripts); c.695C>A, p.Thr232Asn (NM_001406766.1, NM_001406767.1, NM_001406770.1); c.867+1298C>A (NM_001406772.1, NM_001406769.1); c.626-2540C>A (NM_001406773.1, NM_001406771.1); c.625+3862C>A (NM_001406782.1, NM_001406780.1, NM_001406779.1 and 3 more transcripts); c.738+1298C>A (NM_001406774.1); and 5 more; short protein forms T232N, T285N, T328N, T74N.
Identifiers: ClinVar variation 3353966 (VCV003353966.1).

ClinVar aggregate classification (germline): Uncertain significance (0 of 4 stars; one submission).

Conditions:
RET-related disorder. Also called: RET-related condition; RET-related disease; RET-related disorders.

Submission:

PreventionGenetics, part of Exact Sciences
Classification: Uncertain significance for RET-related condition. Last evaluated: 2024-08-25. Review status: no assertion criteria provided. Collection method: clinical testing. Allele origin: germline.
Comment: The RET c.983C>A variant is predicted to result in the amino acid substitution p.Thr328Asn. To our knowledge, this variant has not been reported in the literature or in a large population database, indicating this variant is rare. This variant is not in ClinVar. At this time, the clinical significance of this variant is uncertain due to the absence of conclusive functional and genetic evidence.